The following continues an entry in ClinVar:

NM_000516.7(GNAS):c.602G>A (p.Arg201His)

Gene: GNAS. ClinVar aggregate classification (germline): Pathogenic/Likely pathogenic. Pathogenic (6); Likely pathogenic (3). ClinVar aggregate classification (somatic clinical impact): Tier II - Potential. ClinVar aggregate classification (oncogenicity): Oncogenic.

Submissions 8 to 16 of 16:

Institute for Genomic Medicine (IGM) Clinical Laboratory, Nationwide Children's Hospital
Classification: Tier II - Potential for Embryonal rhabdomyosarcoma. Assertion type: diagnostic. Clinical significance: supports diagnosis. Last evaluated: 2022-11-23. Review status: criteria provided, single submitter. Criteria: AMP/ASCO/CAP Guidelines, 2017. Collection method: clinical testing. Allele origin: somatic. Affected: yes.
Comment: Variant has Tier II (potential) clinical significance as a diagnostic inclusion criterion in embryonal rhabdomyosarcoma, based on the following evidence: 1) Documented in one or more cancer databases (e.g., St. Jude Pecan, COSMIC, CIViC, OncoKB). 2) Information in the literature supports potential biologic effect of variant (PMID: 2549426). 3) Assists in diagnosis alone or along with other biomarkers based on small studies or few case reports (Evidence Level D; PMIDs: 35012940, 34773670, 35871175).

CeGaT Center for Human Genetics Tuebingen
Classification: Pathogenic. Last evaluated: 2022-03-01. Review status: criteria provided, single submitter. Criteria: CeGaT Center For Human Genetics Tuebingen Variant Classification Criteria Version 2. Collection method: clinical testing. Allele origin: germline. Affected: yes. Observed: 1 variant allele.
Comment: GNAS: PS4, PM5, PS3:Moderate, PM2:Supporting, PP3

Dasa
Classification: Pathogenic for Pseudohypoparathyroidism type I A. Last evaluated: 2022-01-05. Review status: criteria provided, single submitter. Criteria: ACMG Guidelines, 2015. Collection method: clinical testing. Allele origin: germline. Affected: yes. Observed: 1 variant allele.
Comment: The c.602G>A;p.(Arg201His) missense variant has been observed in affected individual(s) and ClinVar contains an entry for this variant (Clinvar ID: 15934; PMID: 25719192; 25157968; 24855271; 23536913; 21835143; 16507630; 15126527; 12727968) - PS4. Well-established in vitro or in vivo functional studies support a damaging effect on the gene or gene product (PMID: 23403822; 1517386) - PS3_moderate. The variant is present at low allele frequencies population databases (rs121913495– gnomAD 0.0001315%; ABraOM no frequency) - PM2_supporting. Pathogenic missense variant in this residue have been reported (Clivar ID: 210045) - PM5. Multiple lines of computational evidence support a deleterious effect on the gene or gene product - PP3. In summary, the currently available evidence indicates that the variant is pathogenic.

Greenwood Genetic Center Diagnostic Laboratories, Greenwood Genetic Center
Classification: Pathogenic. Last evaluated: 2020-11-20. Review status: criteria provided, single submitter. Criteria: ACMG Guidelines, 2015. Collection method: clinical testing. Allele origin: germline. Affected: yes.
Comment: PS3, PS4, PP3, PM2

OMIM
Classification: Pathogenic for MCCUNE-ALBRIGHT SYNDROME, SOMATIC, MOSAIC. Last evaluated: 2014-05-23. Review status: no assertion criteria provided. Collection method: literature only. Allele origin: somatic. Not counted in ClinVar's aggregate classification.

OMIM
Classification: Pathogenic for ACTH-INDEPENDENT MACRONODULAR ADRENAL HYPERPLASIA, SOMATIC. Last evaluated: 2014-05-23. Review status: no assertion criteria provided. Collection method: literature only. Allele origin: somatic. Not counted in ClinVar's aggregate classification.

OMIM
Classification: Pathogenic for SEX CORD STROMAL TUMOR, SOMATIC. Last evaluated: 2014-05-23. Review status: no assertion criteria provided. Collection method: literature only. Allele origin: somatic. Not counted in ClinVar's aggregate classification.

OMIM
Classification: Pathogenic for PITUITARY ADENOMA 3, GROWTH HORMONE-SECRETING, SOMATIC. Last evaluated: 2014-05-23. Review status: no assertion criteria provided. Collection method: literature only. Allele origin: somatic. Not counted in ClinVar's aggregate classification.

GeneReviews
No classification provided. Condition: McCune-Albright syndrome. Review status: no classification provided. Collection method: literature only. Allele origin: germline. Affected: yes. Not counted in ClinVar's aggregate classification.

Literature cited by the submitters: PubMed 26341786 (cited by 3billion and Ambry Genetics); PubMed 2549426 (cited by 3 submitters); PubMed 15126527 (cited by 4 submitters); PubMed 27506760 (cited by Labcorp Genetics (formerly Invitae), Labcorp); PubMed 10571700 (cited by Ambry Genetics); PubMed 12970318 (cited by Ambry Genetics and OMIM); PubMed 26574629 (cited by Ambry Genetics); PubMed 29991465 (cited by Ambry Genetics); PubMed 35012940 (cited by Institute for Genomic Medicine (IGM) Clinical Laboratory, Nationwide Children's Hospital); PubMed 34773670 (cited by Institute for Genomic Medicine (IGM) Clinical Laboratory, Nationwide Children's Hospital); PubMed 35871175 (cited by Institute for Genomic Medicine (IGM) Clinical Laboratory, Nationwide Children's Hospital); PubMed 25719192 (cited by Dasa); PubMed 25157968 (cited by Dasa); PubMed 24855271 (cited by Dasa and OMIM); PubMed 23536913 (cited by Dasa and GeneReviews); PubMed 21835143 (cited by Dasa); PubMed 16507630 (cited by Dasa and OMIM); PubMed 12727968 (cited by Dasa and OMIM); PubMed 23403822 (cited by Dasa); PubMed 1517386 (cited by Dasa); PubMed 23843956 (cited by Dasa); PubMed 15952988 (cited by Dasa); PubMed 27398169 (cited by Dasa); PubMed 11093740 (cited by Dasa); PubMed 30702195 (cited by Dasa); PubMed 1944469 (cited by OMIM); PubMed 1594625 (cited by OMIM); PubMed 3720010 (cited by OMIM); NCBI Bookshelf NBK274564 (cited by GeneReviews).